The following is an entry in ClinVar:

ClinVar aggregate classification (germline): Pathogenic. Review status: criteria provided, single submitter (1 of 4 stars). 2 submissions from 2 submitters: Pathogenic (1). 1 of the submissions does not count toward it. Last evaluated 2021-12-30.

Conditions:
Ornithine carbamoyltransferase deficiency (OTCD). Also called: ORNITHINE TRANSCARBAMYLASE DEFICIENCY, HYPERAMMONEMIA DUE TO; ORNITHINE TRANSCARBAMYLASE DEFICIENCY; OTC DEFICIENCY; Ornithine Carbamoyltransferase Deficiency Disease. Identifiers: Orphanet 664, MedGen C0268542, MONDO:0010703, OMIM 311250.

Submissions (2):

Labcorp Genetics (formerly Invitae), Labcorp
Classification: Pathogenic for Ornithine carbamoyltransferase deficiency. Last evaluated: 2021-12-30. Review status: criteria provided, single submitter. Criteria: Invitae Variant Classification Sherloc (09022015). Collection method: clinical testing. Allele origin: germline.
Comment: For these reasons, this variant has been classified as Pathogenic. Algorithms developed to predict the effect of sequence changes on RNA splicing suggest that this variant may disrupt the consensus splice site. ClinVar contains an entry for this variant (Variation ID: 97134). Disruption of this splice site has been observed in individual(s) with ornithine transcarbamylase deficiency (PMID: 8566955). This variant is not present in population databases (gnomAD no frequency). This sequence change affects a donor splice site in intron 2 of the OTC gene. It is expected to disrupt RNA splicing. Variants that disrupt the donor or acceptor splice site typically lead to a loss of protein function (PMID: 16199547), and loss-of-function variants in OTC are known to be pathogenic (PMID: 10946359, 16786505).

GenMed Metabolism Lab
Classification: Pathogenic. Review status: no assertion criteria provided. Collection method: not provided. Allele origin: unknown. Not counted in ClinVar's aggregate classification.
Comment: Late, Donor splice site error
ClinVar note: Converted during submission from pathogenic to Pathogenic.

Literature cited by the submitters: PubMed 8566955 (cited by Labcorp Genetics (formerly Invitae), Labcorp); PubMed 16199547 (cited by Labcorp Genetics (formerly Invitae), Labcorp); PubMed 10946359 (cited by Labcorp Genetics (formerly Invitae), Labcorp); PubMed 16786505 (cited by Labcorp Genetics (formerly Invitae), Labcorp).

NM_000531.6(OTC):c.216+1G>A

Gene: OTC (ornithine transcarbamylase; plus strand). Cytogenetic location: Xp11.4.
Variant type: single nucleotide variant.
Coding change: c.216+1G>A on transcript NM_000531.6 (MANE Select); the canonical splice donor site of the intron after coding-DNA position 216, G replaced by A.
Molecular consequence: splice donor variant.
Genome position (GRCh38, 1-based): chrX:38,367,430, G>A. VCF-style: chrX-38367430-G-A. GRCh37 (hg19) VCF-style: chrX-38226683-G-A.
Other names: c.216+1G>A (NM_001407092.1).
Identifiers: ClinVar variation 97134 (VCV000097134.7), dbSNP rs66693137, ClinGen allele CA224502.
Genomic context (GRCh38, chrX:38,367,430, plus strand): 5'-ATTAAATATATGCTATGGCTATCAGCAGATCTGAAATTTAGGATAAAACAGAAAGGAGAG[G>A]TATGTAACATTTTCTTTTTACGTTCCATTACTACCAGTCCCCTTTTTTTAAAGGCAGCCT-3'